The following is an entry in ClinVar:

ClinVar aggregate classification (germline): Uncertain significance. Review status: criteria provided, multiple submitters, no conflicts (2 of 4 stars). 2 submissions from 2 submitters: Uncertain significance (2). Last evaluated 2024-09-27.

Conditions:
FG syndrome (FGS). Identifiers: MedGen C0220769, MONDO:0002010.

Submissions (2):

Labcorp Genetics (formerly Invitae), Labcorp
Classification: Uncertain significance for FG syndrome. Last evaluated: 2024-09-27. Review status: criteria provided, single submitter. Criteria: Invitae Variant Classification Sherloc (09022015). Collection method: clinical testing. Allele origin: germline.
Comment: This sequence change replaces tyrosine, which is neutral and polar, with phenylalanine, which is neutral and non-polar, at codon 1874 of the MED12 protein (p.Tyr1874Phe). This variant is not present in population databases (gnomAD no frequency). This variant has not been reported in the literature in individuals affected with MED12-related conditions. ClinVar contains an entry for this variant (Variation ID: 1800953). Invitae Evidence Modeling of protein sequence and biophysical properties (such as structural, functional, and spatial information, amino acid conservation, physicochemical variation, residue mobility, and thermodynamic stability) has been performed for this missense variant. However, the output from this modeling did not meet the statistical confidence thresholds required to predict the impact of this variant on MED12 protein function. In summary, the available evidence is currently insufficient to determine the role of this variant in disease. Therefore, it has been classified as a Variant of Uncertain Significance.

GeneDx
Classification: Uncertain significance. Last evaluated: 2022-05-25. Review status: criteria provided, single submitter. Criteria: GeneDx Variant Classification Process June 2021. Collection method: clinical testing. Allele origin: germline. Affected: yes.
Comment: Not observed at significant frequency in large population cohorts (gnomAD); In silico analysis supports that this missense variant does not alter protein structure/function; Has not been previously published as pathogenic or benign to our knowledge

NM_005120.3(MED12):c.5621A>T (p.Tyr1874Phe)

Gene: MED12 (mediator complex subunit 12; plus strand). Cytogenetic location: Xq13.1.
Variant type: single nucleotide variant.
Coding change: c.5621A>T on transcript NM_005120.3 (MANE Select); coding-DNA position 5621, A replaced by T.
Protein change: p.Tyr1874Phe; replaces tyrosine 1874 with phenylalanine.
Molecular consequence: missense variant.
Genome position (GRCh38, 1-based): chrX:71,137,256, A>T. VCF-style: chrX-71137256-A-T. GRCh37 (hg19) VCF-style: chrX-70357106-A-T.
Other names: short protein forms Y1874F.
Identifiers: ClinVar variation 1800953 (VCV001800953.4), dbSNP rs2519714022, ClinGen allele CA413536829.